The following is an entry in ClinVar:

NM_001164277.2(SLC37A4):c.607C>A (p.Pro203Thr)

Gene: SLC37A4 (solute carrier family 37 member 4; minus strand). Cytogenetic location: 11q23.3.
Variant type: single nucleotide variant.
Coding change: c.607C>A on transcript NM_001164277.2 (MANE Select); coding-DNA position 607, C replaced by A.
Protein change: p.Pro203Thr; replaces proline 203 with threonine.
Molecular consequence: missense variant.
Genome position (GRCh38, 1-based): chr11:119,027,646, G>T on the plus strand (C>A on the coding strand, the complement: SLC37A4 is on the minus strand). VCF-style: chr11-119027646-G-T. GRCh37 (hg19) VCF-style: chr11-118898356-G-T.
Other names: c.607C>A, p.Pro203Thr (NM_001164278.2, NM_001164280.2, NM_001467.6); c.388C>A, p.Pro130Thr (NM_001164279.2); short protein forms P203T, P130T.
Identifiers: ClinVar variation 459623 (VCV000459623.10), dbSNP rs534894133, ClinGen allele CA6311798.

ClinVar aggregate classification (germline): Uncertain significance. Review status: criteria provided, multiple submitters, no conflicts (2 of 4 stars). 3 submissions from 3 submitters: Uncertain significance (2). 1 of the submissions does not count toward it. Last evaluated 2026-07-06.

Conditions:
SLC37A4-related disorder. Also called: SLC37A4-related condition.
Glucose-6-phosphate transport defect (GSD1B). Also called: Glycogen Storage Disease Type Ib; GSD Ib. Identifiers: Orphanet 364, Orphanet 79259, MedGen C0268146, MONDO:0009288, OMIM 232220.

Allele frequency attached by ClinVar (database versions not stated): gnomAD below 0.00001 and 0.00005; gnomAD exomes 0.00007 and 0.00011; ExAC 0.00015; 1000 Genomes Project 30x 0.00016; 1000 Genomes Project 0.00020.

Submissions (3):

PreventionGenetics, part of Exact Sciences
Classification: Uncertain significance for SLC37A4-related condition. Last evaluated: 2026-07-06. Review status: criteria provided, single submitter. Criteria: ACMG Guidelines, 2015. Collection method: clinical testing. Allele origin: germline.
Comment: The SLC37A4 c.607C>A variant is predicted to result in the amino acid substitution p.Pro203Thr. To our knowledge, this variant has not been reported in the literature. This variant is reported in 0.092% of alleles in individuals of South Asian descent in gnomAD. At this time, the clinical significance of this variant is uncertain due to the absence of conclusive functional and genetic evidence.

Labcorp Genetics (formerly Invitae), Labcorp
Classification: Uncertain significance for Glucose-6-phosphate transport defect. Last evaluated: 2024-06-24. Review status: criteria provided, single submitter. Criteria: Invitae Variant Classification Sherloc (09022015). Collection method: clinical testing. Allele origin: germline.
Comment: This sequence change replaces proline, which is neutral and non-polar, with threonine, which is neutral and polar, at codon 203 of the SLC37A4 protein (p.Pro203Thr). This variant is present in population databases (rs534894133, gnomAD 0.09%). This variant has not been reported in the literature in individuals affected with SLC37A4-related conditions. ClinVar contains an entry for this variant (Variation ID: 459623). Advanced modeling of protein sequence and biophysical properties (such as structural, functional, and spatial information, amino acid conservation, physicochemical variation, residue mobility, and thermodynamic stability) performed at Invitae indicates that this missense variant is not expected to disrupt SLC37A4 protein function with a negative predictive value of 80%. In summary, the available evidence is currently insufficient to determine the role of this variant in disease. Therefore, it has been classified as a Variant of Uncertain Significance.

Natera, Inc.
Classification: Uncertain significance for Glycogen storage disease type Ib. Last evaluated: 2020-02-07. Review status: no assertion criteria provided. Collection method: clinical testing. Allele origin: germline. Not counted in ClinVar's aggregate classification.